The following is an entry in ClinVar:

ClinVar aggregate classification (germline): Uncertain significance (1 of 4 stars; one submission).

Conditions:
CHARGE syndrome (CHARGE). Also called: Hittner Hirsch Kreh syndrome; CHARGE ASSOCIATION--COLOBOMA, HEART ANOMALY, CHOANAL ATRESIA, RETARDATION, GENITAL AND EAR ANOMALIES; Coloboma, heart anomaly, choanal atresia, retardation, genital and ear anomalies; CHARGE association; Hall-Hittner syndrome. Identifiers: Orphanet 138, MedGen C0265354, MONDO:0008965.

Submission:

Labcorp Genetics (formerly Invitae), Labcorp
Classification: Uncertain significance for CHARGE syndrome. Last evaluated: 2024-09-01. Review status: criteria provided, single submitter. Criteria: Invitae Variant Classification Sherloc (09022015). Collection method: clinical testing. Allele origin: germline.
Comment: This sequence change replaces threonine, which is neutral and polar, with proline, which is neutral and non-polar, at codon 2602 of the CHD7 protein (p.Thr2602Pro). This variant is not present in population databases (gnomAD no frequency). This variant has not been reported in the literature in individuals affected with CHD7-related conditions. Invitae Evidence Modeling of protein sequence and biophysical properties (such as structural, functional, and spatial information, amino acid conservation, physicochemical variation, residue mobility, and thermodynamic stability) has been performed for this missense variant. However, the output from this modeling did not meet the statistical confidence thresholds required to predict the impact of this variant on CHD7 protein function. In summary, the available evidence is currently insufficient to determine the role of this variant in disease. Therefore, it has been classified as a Variant of Uncertain Significance.

NM_017780.4(CHD7):c.7804A>C (p.Thr2602Pro)

Gene: CHD7 (chromodomain helicase DNA binding protein 7; plus strand). Cytogenetic location: 8q12.2.
Variant type: single nucleotide variant.
Coding change: c.7804A>C on transcript NM_017780.4 (MANE Select); coding-DNA position 7804, A replaced by C.
Protein change: p.Thr2602Pro; replaces threonine 2602 with proline.
Molecular consequence: missense variant. On other transcripts: intron variant (1).
Genome position (GRCh38, 1-based): chr8:60,861,099, A>C. VCF-style: chr8-60861099-A-C. GRCh37 (hg19) VCF-style: chr8-61773658-A-C.
Other names: c.1717-1130A>C (NM_001316690.1); short protein forms T2602P.
Identifiers: ClinVar variation 3670919 (VCV003670919.2).
Genomic context (GRCh38, chr8:60,861,099, plus strand): 5'-GGGGAAGATGCTCCTAAAAATAAGGATTTAGTTGAATGGCTGAAGCTGCACCCTACTTAC[A>C]CTGTTGATATGCCAAGTTATGTACCAGTGAGTATTGCAGAGTTTAGAGTTGGAAGGAATC-3'
Protein context (NP_060250.2, residues 2592-2612): VEWLKLHPTY[Thr2602Pro]VDMPSYVPKN